The following is an entry in ClinVar:

NM_015041.3(CLUAP1):c.926G>A (p.Gly309Glu)

Gene: CLUAP1 (clusterin associated protein 1; plus strand). Cytogenetic location: 16p13.3.
Variant type: single nucleotide variant.
Coding change: c.926G>A on transcript NM_015041.3 (MANE Select); coding-DNA position 926, G replaced by A.
Protein change: p.Gly309Glu; replaces glycine 309 with glutamic acid.
Molecular consequence: missense variant.
Genome position (GRCh38, 1-based): chr16:3,526,482, G>A. VCF-style: chr16-3526482-G-A. GRCh37 (hg19) VCF-style: chr16-3576482-G-A.
Other names: c.926G>A, p.Gly309Glu (NM_001330454.2); c.428G>A, p.Gly143Glu (NM_024793.3); short protein forms G143E, G309E.
Identifiers: ClinVar variation 1505459 (VCV001505459.6), dbSNP rs377216462, ClinGen allele CA7863894.

ClinVar aggregate classification (germline): Uncertain significance (1 of 4 stars; one submission).

Allele frequency attached by ClinVar (database versions not stated): gnomAD exomes below 0.00001 and 0.00002; ExAC 0.00001; TOPMed 0.00001; gnomAD 0.00003 and 0.00004; ESP Exome Variant Server 0.00008.
gnomAD v4.1: 28 of 1,604,434 alleles (0.0017%); highest among the groups gnomAD compares: African/African-American, 0.0054%; no homozygotes.

Submission:

Labcorp Genetics (formerly Invitae), Labcorp
Classification: Uncertain significance. Last evaluated: 2025-07-08. Review status: criteria provided, single submitter. Criteria: Invitae Variant Classification Sherloc (09022015). Collection method: clinical testing. Allele origin: germline.
Comment: This sequence change replaces glycine, which is neutral and non-polar, with glutamic acid, which is acidic and polar, at codon 309 of the CLUAP1 protein (p.Gly309Glu). This variant is present in population databases (rs377216462, gnomAD 0.004%). This variant has not been reported in the literature in individuals affected with CLUAP1-related conditions. ClinVar contains an entry for this variant (Variation ID: 1505459). An algorithm developed to predict the effect of missense changes on protein structure and function outputs the following: PolyPhen-2: "Benign". The glutamic acid amino acid residue is found in multiple mammalian species, which suggests that this missense change does not adversely affect protein function. In summary, the available evidence is currently insufficient to determine the role of this variant in disease. Therefore, it has been classified as a Variant of Uncertain Significance.